The following is an entry in ClinVar:

NM_000238.4(KCNH2):c.3060del (p.Ser1021fs)

Gene: KCNH2 (potassium voltage-gated channel subfamily H member 2; minus strand). Cytogenetic location: 7q36.1.
Variant type: Deletion.
Coding change: c.3060del on transcript NM_000238.4 (MANE Select); coding-DNA position 3060, one base deleted (C; older notation c.3060delC).
Protein change: p.Ser1021fs; shifts the reading frame from serine 1021.
Molecular consequence: frameshift variant.
Genome position (GRCh38, 1-based): chr7:150,947,420, G deleted on the plus strand (C on the coding strand, the reverse complement: KCNH2 is on the minus strand); the first of 5 consecutive G bases (chr7:150,947,420-150,947,424); deleting any one gives the same sequence. VCF-style (leftmost placement, unchanged base first): chr7-150947419-TG-T. GRCh37 (hg19) VCF-style: chr7-150644507-TG-T.
Other names: c.2040del, p.Ser681fs (NM_172057.3); c.3060delC (NM_000238.3); c.3060del (NM_000238.2, NM_000238.3); short protein forms S681fs, S1021fs.
Identifiers: ClinVar variation 219597 (VCV000219597.26), dbSNP rs864622174, ClinGen allele CA349145.

ClinVar aggregate classification (germline): Pathogenic/Likely pathogenic. Review status: criteria provided, multiple submitters, no conflicts (2 of 4 stars). 4 submissions from 4 submitters: Pathogenic (2); Likely pathogenic (1). 1 of the submissions does not count toward it. Last evaluated 2023-10-13.

Conditions:
Long QT syndrome (LQTS). Identifiers: MedGen C0023976, MeSH D008133, MONDO:0002442. Disease mechanism: loss of function. Inheritance: Various modes of inheritance.
Long QT syndrome 2 (LQT2). Identifiers: Orphanet 101016, Orphanet 768, MedGen C3150943, MONDO:0013367, OMIM 613688.

Submissions (4):

GeneDx
Classification: Likely pathogenic. Last evaluated: 2023-10-13. Review status: criteria provided, single submitter. Criteria: GeneDx Variant Classification Process June 2021. Collection method: clinical testing. Allele origin: germline. Affected: yes.
Comment: Frameshift variant predicted to result in protein truncation or nonsense mediated decay in a gene for which loss of function is a known mechanism of disease; Not observed at significant frequency in large population cohorts (gnomAD); This variant is associated with the following publications: (PMID: 23631430)

Clinical Genetics Laboratory, Skane University Hospital Lund
Classification: Pathogenic. Last evaluated: 2022-07-13. Review status: criteria provided, single submitter. Criteria: ACMG Guidelines, 2015. Collection method: clinical testing. Allele origin: germline. Affected: yes.

Labcorp Genetics (formerly Invitae), Labcorp
Classification: Pathogenic for Long QT syndrome. Last evaluated: 2017-11-07. Review status: criteria provided, single submitter. Criteria: Invitae Variant Classification Sherloc (09022015). Collection method: clinical testing. Allele origin: germline.
Comment: For these reasons, this variant has been classified as Pathogenic. Loss-of-function variants in KCNH2 are known to be pathogenic (PMID: 19862833). This variant has been reported in one individual with long QT syndrome (PMID: 23631430). ClinVar contains an entry for this variant (Variation ID: 219597). This variant is not present in population databases (ExAC no frequency). This sequence change creates a premature translational stop signal (p.Ser1021Alafs*36) in the KCNH2 gene. It is expected to result in an absent or disrupted protein product.

deCODE genetics, Amgen
Classification: Likely pathogenic for Long QT syndrome 2. Last evaluated: 2023-07-21. Review status: no assertion criteria provided. Collection method: research. Allele origin: germline. Affected: yes. Observed: 2 variant alleles. Not counted in ClinVar's aggregate classification.
Comment: The variant NM_000238.4:c.3060del (chr7:150947419) in KCNH2 was detected in 2 heterozygotes out of 58K WGS Icelanders (MAF= 0,002%). This variant has been reported in ClinVar previously as pathogenic. Based on ACMG criteria (PVS1, PM2) this variant classifies as likely pathogenic.

Literature cited by the submitters: PubMed 19862833 (cited by Labcorp Genetics (formerly Invitae), Labcorp); PubMed 23631430 (cited by Labcorp Genetics (formerly Invitae), Labcorp).